The following is an entry in ClinVar:

ClinVar aggregate classification (germline): Benign. Review status: criteria provided, multiple submitters, no conflicts (2 of 4 stars). 2 submissions from 2 submitters: Benign (2). Last evaluated 2016-03-28.

Allele frequency attached by ClinVar (database versions not stated): 1000 Genomes Project 0.01518; 1000 Genomes Project 30x 0.01562.

Submissions (2):

Laboratory for Molecular Medicine, Mass General Brigham Personalized Medicine
Classification: Benign. Last evaluated: 2016-03-28. Review status: criteria provided, single submitter. Criteria: LMM Criteria. Collection method: clinical testing. Allele origin: germline.
Comment: Variant identified in a genome or exome case(s) and assessed due to predicted null impact of the variant or pathogenic assertions in the literature or databases. Disclaimer: This variant has not undergone full assessment. The following are preliminary notes: Frequency

Breakthrough Genomics
Classification: Benign. Review status: criteria provided, single submitter. Criteria: ACMG Guidelines, 2015. Collection method: not provided. Allele origin: germline. Inheritance: Autosomal dominant inheritance. Affected: yes.

NM_002458.3(MUC5B):c.12967G>T (p.Val4323Phe)

Gene: MUC5B (mucin 5B, oligomeric mucus/gel-forming; plus strand). Cytogenetic location: 11p15.5.
Variant type: single nucleotide variant.
Coding change: c.12967G>T on transcript NM_002458.3 (MANE Select); coding-DNA position 12967, G replaced by T.
Protein change: p.Val4323Phe; replaces valine 4323 with phenylalanine.
Molecular consequence: missense variant.
Genome position (GRCh38, 1-based): chr11:1,249,847, G>T. VCF-style: chr11-1249847-G-T. GRCh37 (hg19) VCF-style: chr11-1271077-G-T.
Other names: short protein forms V4323F.
Identifiers: ClinVar variation 403173 (VCV000403173.5), dbSNP rs201326462, ClinGen allele CA5808158.